The following is an entry in ClinVar:

NM_000548.5(TSC2):c.4845G>A (p.Met1615Ile)

Gene: TSC2 (TSC complex subunit 2; plus strand). Cytogenetic location: 16p13.3.
Variant type: single nucleotide variant.
Coding change: c.4845G>A on transcript NM_000548.5 (MANE Select); coding-DNA position 4845, G replaced by A.
Protein change: p.Met1615Ile; replaces methionine 1615 with isoleucine.
Molecular consequence: missense variant.
Genome position (GRCh38, 1-based): chr16:2,086,375, G>A. VCF-style: chr16-2086375-G-A. GRCh37 (hg19) VCF-style: chr16-2136376-G-A.
Other names: c.4644G>A, p.Met1548Ile (NM_001077183.3); c.4776G>A, p.Met1592Ile (NM_001114382.3); c.4536G>A, p.Met1512Ile (NM_001318827.2); c.4500G>A, p.Met1500Ile (NM_001318829.2); c.4113G>A, p.Met1371Ile (NM_001318831.2); c.4677G>A, p.Met1559Ile (NM_001318832.2); c.4647G>A, p.Met1549Ile (NM_001363528.2); c.4713G>A, p.Met1571Ile (NM_001370404.1); and 1 more; short protein forms M1371I, M1500I, M1512I, M1548I, M1549I, M1559I, M1571I, M1572I.
Identifiers: ClinVar variation 981444 (VCV000981444.5), dbSNP rs2090790316, ClinGen allele CA394308152.

ClinVar aggregate classification (germline): Uncertain significance. Review status: criteria provided, multiple submitters, no conflicts (2 of 4 stars). 3 submissions from 3 submitters: Uncertain significance (3). Last evaluated 2021-11-07.

Conditions:
Intellectual disability. Also called: intellectual disabilities; Intellectual developmental disorder; Intellectual functioning disability. Identifiers: MedGen C3714756, MeSH D008607, MONDO:0001071, HP:0001249.
Tuberous sclerosis 2 (TSC2). Identifiers: Orphanet 805, MedGen C1860707, MONDO:0013199, OMIM 613254.

Submissions (3):

Genome-Nilou Lab
Classification: Uncertain significance for Tuberous sclerosis 2. Last evaluated: 2021-11-07. Review status: criteria provided, single submitter. Criteria: ACMG Guidelines, 2015. Collection method: clinical testing. Allele origin: germline. Affected: no.

Diagnostic Laboratory, Strasbourg University Hospital
Classification: Uncertain significance for Intellectual disability. Last evaluated: 2020-09-10. Review status: criteria provided, single submitter. Criteria: ACMG Guidelines, 2015. Collection method: clinical testing. Allele origin: maternal. Affected: yes. Observed: 1 heterozygote.

GeneDx
Classification: Uncertain significance. Last evaluated: 2020-01-17. Review status: criteria provided, single submitter. Criteria: GeneDx Variant Classification Process June 2021. Collection method: clinical testing. Allele origin: germline. Affected: yes.
Comment: Not observed in large population cohorts (Lek et al., 2016); In silico analysis, which includes protein predictors and evolutionary conservation, supports that this variant does not alter protein structure/function; Has not been previously published as pathogenic or benign to our knowledge; Missense variants in nearby residues reported in the Human Gene Mutation Database (Stenson et al., 2014)